The following is an entry in ClinVar:

NM_001243133.2(NLRP3):c.215T>A (p.Ile72Asn)

Gene: NLRP3 (NLR family pyrin domain containing 3; plus strand). Cytogenetic location: 1q44.
Variant type: single nucleotide variant.
Coding change: c.215T>A on transcript NM_001243133.2 (MANE Select); coding-DNA position 215, T replaced by A.
Protein change: p.Ile72Asn; replaces isoleucine 72 with asparagine.
Molecular consequence: missense variant.
Genome position (GRCh38, 1-based): chr1:247,419,015, T>A. VCF-style: chr1-247419015-T-A. GRCh37 (hg19) VCF-style: chr1-247582317-T-A.
Other names: c.215T>A, p.Ile72Asn (NM_001079821.3, NM_001127461.3, NM_001127462.3 and 1 more transcripts); c.221T>A, p.Ile74Asn (NM_004895.5); short protein forms I72N, I74N.
Identifiers: ClinVar variation 1929242 (VCV001929242.5), dbSNP rs2527205621, ClinGen allele CA345552732.
Genomic context (GRCh38, chr1:247,419,015, plus strand): 5'-TAGCCACGCTAATGATCGACTTCAATGGGGAGGAGAAGGCGTGGGCCATGGCCGTGTGGA[T>A]CTTCGCTGCGATCAACAGGAGAGACCTTTATGAGAAAGCAAAAAGAGATGAGCCGAAGTG-3'
Protein context (NP_001230062.1, residues 62-82): EEKAWAMAVW[Ile72Asn]FAAINRRDLY

ClinVar aggregate classification (germline): Uncertain significance (1 of 4 stars; one submission).

Conditions:
Cryopyrin associated periodic syndrome (CAPS). Identifiers: Orphanet 208650, MedGen C2316212, MONDO:0016168.

Submission:

Labcorp Genetics (formerly Invitae), Labcorp
Classification: Uncertain significance for Cryopyrin associated periodic syndrome. Last evaluated: 2022-07-25. Review status: criteria provided, single submitter. Criteria: Invitae Variant Classification Sherloc (09022015). Collection method: clinical testing. Allele origin: germline.
Comment: In summary, the available evidence is currently insufficient to determine the role of this variant in disease. Therefore, it has been classified as a Variant of Uncertain Significance. Algorithms developed to predict the effect of missense changes on protein structure and function are either unavailable or do not agree on the potential impact of this missense change (SIFT: "Deleterious"; PolyPhen-2: "Probably Damaging"; Align-GVGD: "Class C0"). This variant has not been reported in the literature in individuals affected with NLRP3-related conditions. This variant is not present in population databases (gnomAD no frequency). This sequence change replaces isoleucine, which is neutral and non-polar, with asparagine, which is neutral and polar, at codon 74 of the NLRP3 protein (p.Ile74Asn).